The following is an entry in ClinVar:

NM_000257.4(MYH7):c.3357G>C (p.Glu1119Asp)

Gene: MYH7 (myosin heavy chain 7; minus strand). Cytogenetic location: 14q11.2.
Variant type: single nucleotide variant.
Coding change: c.3357G>C on transcript NM_000257.4 (MANE Select); coding-DNA position 3357, G replaced by C.
Protein change: p.Glu1119Asp; replaces glutamic acid 1119 with aspartic acid.
Molecular consequence: missense variant.
Genome position (GRCh38, 1-based): chr14:23,420,214, C>G on the plus strand (G>C on the coding strand, the complement: MYH7 is on the minus strand). VCF-style: chr14-23420214-C-G. GRCh37 (hg19) VCF-style: chr14-23889423-C-G.
Other names: short protein forms E1119D.
Identifiers: ClinVar variation 1465652 (VCV001465652.7), dbSNP rs2138654648, ClinGen allele CA389044159.

ClinVar aggregate classification (germline): Uncertain significance. Review status: criteria provided, multiple submitters, no conflicts (2 of 4 stars). 2 submissions from 2 submitters: Uncertain significance (2). Last evaluated 2024-11-22.

Conditions:
Hypertrophic cardiomyopathy. Also called: HYPERTROPHIC MYOCARDIOPATHY. Identifiers: Orphanet 217569, MedGen C0007194, MeSH D002312, MONDO:0005045, HP:0001639.
Cardiovascular phenotype. Identifiers: MedGen CN230736.

Allele frequency attached by ClinVar (database versions not stated): gnomAD exomes below 0.00001.
gnomAD v4.1: 1 of 1,609,102 alleles (0.000062%); highest among the groups gnomAD compares: Non-Finnish European, 0.000085%; no homozygotes.

Submissions (2):

Ambry Genetics
Classification: Uncertain significance for Cardiovascular phenotype. Last evaluated: 2024-11-22. Review status: criteria provided, single submitter. Criteria: Ambry Variant Classification Scheme 2023. Collection method: clinical testing. Allele origin: germline.
Comment: The p.E1119D variant (also known as c.3357G>C), located in coding exon 25 of the MYH7 gene, results from a G to C substitution at nucleotide position 3357. The glutamic acid at codon 1119 is replaced by aspartic acid, an amino acid with highly similar properties. This amino acid position is highly conserved in available vertebrate species. In addition, the in silico prediction for this alteration is inconclusive. Based on the available evidence, the clinical significance of this variant remains unclear.

Labcorp Genetics (formerly Invitae), Labcorp
Classification: Uncertain significance for Hypertrophic cardiomyopathy. Last evaluated: 2023-05-22. Review status: criteria provided, single submitter. Criteria: Invitae Variant Classification Sherloc (09022015). Collection method: clinical testing. Allele origin: germline.
Comment: In summary, the available evidence is currently insufficient to determine the role of this variant in disease. Therefore, it has been classified as a Variant of Uncertain Significance. Advanced modeling of protein sequence and biophysical properties (such as structural, functional, and spatial information, amino acid conservation, physicochemical variation, residue mobility, and thermodynamic stability) performed at Invitae indicates that this missense variant is expected to disrupt MYH7 protein function. ClinVar contains an entry for this variant (Variation ID: 1465652). This variant has not been reported in the literature in individuals affected with MYH7-related conditions. This variant is not present in population databases (gnomAD no frequency). This sequence change replaces glutamic acid, which is acidic and polar, with aspartic acid, which is acidic and polar, at codon 1119 of the MYH7 protein (p.Glu1119Asp).